The following is an entry in ClinVar:

NM_205836.3(FBXO38):c.1766A>G (p.Lys589Arg)

Gene: FBXO38 (F-box protein 38; plus strand). Cytogenetic location: 5q32.
Variant type: single nucleotide variant.
Coding change: c.1766A>G on transcript NM_205836.3 (MANE Select); coding-DNA position 1766, A replaced by G.
Protein change: p.Lys589Arg; replaces lysine 589 with arginine.
Molecular consequence: missense variant.
Genome position (GRCh38, 1-based): chr5:148,425,549, A>G. VCF-style: chr5-148425549-A-G. GRCh37 (hg19) VCF-style: chr5-147805112-A-G.
Other names: c.1766A>G, p.Lys589Arg (NM_001271723.2, NM_030793.5); short protein forms K589R.
Identifiers: ClinVar variation 3658497 (VCV003658497.2).
Genomic context (GRCh38, chr5:148,425,549, plus strand): 5'-AAAGTAACTGTTAGGCCTGTGCTTTTTTTTAAGGACCCAGTGGTCTTCAGCGTGTAGTAA[A>G]ACCAACCTCAATTACTGTTCATGATTCAGAGAGTGATGATGAAGAAGATAGTCTAGAACT-3'
Protein context (NP_995308.1, residues 579-599): AGPSGLQRVV[Lys589Arg]PTSITVHDSE

ClinVar aggregate classification (germline): Uncertain significance (1 of 4 stars; one submission).

Conditions:
Distal hereditary motor neuropathy type 2. Identifiers: Orphanet 139525, MedGen C3711384, MeSH C580044, MONDO:0015352.

Submission:

Labcorp Genetics (formerly Invitae), Labcorp
Classification: Uncertain significance for Distal hereditary motor neuropathy type 2. Last evaluated: 2024-07-02. Review status: criteria provided, single submitter. Criteria: Invitae Variant Classification Sherloc (09022015). Collection method: clinical testing. Allele origin: germline.
Comment: This sequence change replaces lysine, which is basic and polar, with arginine, which is basic and polar, at codon 589 of the FBXO38 protein (p.Lys589Arg). This variant is not present in population databases (gnomAD no frequency). This variant has not been reported in the literature in individuals affected with FBXO38-related conditions. Advanced modeling of protein sequence and biophysical properties (such as structural, functional, and spatial information, amino acid conservation, physicochemical variation, residue mobility, and thermodynamic stability) performed at Invitae indicates that this missense variant is not expected to disrupt FBXO38 protein function with a negative predictive value of 80%. In summary, the available evidence is currently insufficient to determine the role of this variant in disease. Therefore, it has been classified as a Variant of Uncertain Significance.